The following is an entry in ClinVar:

ClinVar aggregate classification (germline): Uncertain significance (1 of 4 stars; one submission).

gnomAD v4.1: 35 of 1,609,816 alleles (0.0022%); highest among the groups gnomAD compares: Middle Eastern, 0.016%; no homozygotes.

Submission:

Labcorp Genetics (formerly Invitae), Labcorp
Classification: Uncertain significance. Last evaluated: 2022-09-01. Review status: criteria provided, single submitter. Criteria: Invitae Variant Classification Sherloc (09022015). Collection method: clinical testing. Allele origin: germline.
Comment: This sequence change falls in intron 9 of the DGAT1 gene. It does not directly change the encoded amino acid sequence of the DGAT1 protein. It affects a nucleotide within the consensus splice site. This variant is present in population databases (rs201711241, gnomAD 0.009%). This variant has not been reported in the literature in individuals affected with DGAT1-related conditions. Variants that disrupt the consensus splice site are a relatively common cause of aberrant splicing (PMID: 17576681, 9536098). Algorithms developed to predict the effect of sequence changes on RNA splicing suggest that this variant may create or strengthen a splice site. In summary, the available evidence is currently insufficient to determine the role of this variant in disease. Therefore, it has been classified as a Variant of Uncertain Significance.

Literature cited by the submitters: PubMed 17576681; PubMed 9536098.

NM_012079.6(DGAT1):c.856-3C>G

Gene: DGAT1 (diacylglycerol O-acyltransferase 1; minus strand). Cytogenetic location: 8q24.3.
Variant type: single nucleotide variant.
Coding change: c.856-3C>G on transcript NM_012079.6 (MANE Select); 3 bases into the intron before coding-DNA position 856, C replaced by G.
Molecular consequence: intron variant.
Genome position (GRCh38, 1-based): chr8:144,317,825, G>C on the plus strand (C>G on the coding strand, the complement: DGAT1 is on the minus strand). VCF-style: chr8-144317825-G-C. GRCh37 (hg19) VCF-style: chr8-145541488-G-C.
Identifiers: ClinVar variation 1486011 (VCV001486011.3), dbSNP rs201711241, ClinGen allele CA4936796.